The following is an entry in ClinVar:

NM_005732.4(RAD50):c.1010G>T (p.Arg337Met)

Gene: RAD50 (RAD50 double strand break repair protein; plus strand). Cytogenetic location: 5q31.1.
Variant type: single nucleotide variant.
Coding change: c.1010G>T on transcript NM_005732.4 (MANE Select); coding-DNA position 1010, G replaced by T.
Protein change: p.Arg337Met; replaces arginine 337 with methionine.
Molecular consequence: missense variant.
Genome position (GRCh38, 1-based): chr5:132,588,048, G>T. VCF-style: chr5-132588048-G-T. GRCh37 (hg19) VCF-style: chr5-131923740-G-T.
Other names: short protein forms R337M.
Identifiers: ClinVar variation 4842935 (VCV004842935.1).

ClinVar aggregate classification (germline): Uncertain significance (1 of 4 stars; one submission).

Conditions:
Hereditary cancer-predisposing syndrome. Also called: Neoplastic Syndromes, Hereditary; Tumor predisposition; Hereditary Cancer Syndrome; Hereditary neoplastic syndrome. Identifiers: Orphanet 140162, MedGen C0027672, MeSH D009386, MONDO:0015356.

Submission:

Ambry Genetics
Classification: Uncertain significance for Hereditary cancer-predisposing syndrome. Last evaluated: 2025-12-22. Review status: criteria provided, single submitter. Criteria: Ambry Variant Classification Scheme 2023. Collection method: clinical testing. Allele origin: germline.
Comment: The p.R337M variant (also known as c.1010G>T), located in coding exon 7 of the RAD50 gene, results from a G to T substitution at nucleotide position 1010. The arginine at codon 337 is replaced by methionine, an amino acid with similar properties. This amino acid position is conserved. In addition, this alteration is predicted to be tolerated by in silico analysis. Based on the available evidence, the clinical significance of this variant remains unclear.